The following is an entry in ClinVar:

ClinVar aggregate classification (germline): Uncertain significance. Review status: criteria provided, multiple submitters, no conflicts (2 of 4 stars). 2 submissions from 2 submitters: Uncertain significance (2). Last evaluated 2025-06-08.

Conditions:
Hereditary cancer-predisposing syndrome. Also called: Tumor predisposition; Neoplastic Syndromes, Hereditary; Hereditary Cancer Syndrome; Hereditary neoplastic syndrome. Identifiers: Orphanet 140162, MedGen C0027672, MeSH D009386, MONDO:0015356.
Gastrointestinal stromal tumor. Also called: Gastrointestinal stroma tumor; Gastrointestinal stromal tumor, somatic. Identifiers: Orphanet 44890, MedGen C0238198, MeSH D046152, MONDO:0011719, OMIM 606764, HP:0100723.

Allele frequency attached by ClinVar (database versions not stated): gnomAD exomes below 0.00001.
gnomAD v4.1: 1 of 1,613,914 alleles (0.000062%); highest among the groups gnomAD compares: Admixed American, 0.0017%; no homozygotes.

Submissions (2):

Labcorp Genetics (formerly Invitae), Labcorp
Classification: Uncertain significance for Gastrointestinal stromal tumor. Last evaluated: 2025-06-08. Review status: criteria provided, single submitter. Criteria: Invitae Variant Classification Sherloc (09022015). Collection method: clinical testing. Allele origin: germline.
Comment: This sequence change replaces valine, which is neutral and non-polar, with alanine, which is neutral and non-polar, at codon 126 of the PDGFRA protein (p.Val126Ala). This variant is not present in population databases (gnomAD no frequency). This variant has not been reported in the literature in individuals affected with PDGFRA-related conditions. ClinVar contains an entry for this variant (Variation ID: 1734844). Invitae Evidence Modeling of protein sequence and biophysical properties (such as structural, functional, and spatial information, amino acid conservation, physicochemical variation, residue mobility, and thermodynamic stability) indicates that this missense variant is not expected to disrupt PDGFRA protein function with a negative predictive value of 80%. In summary, the available evidence is currently insufficient to determine the role of this variant in disease. Therefore, it has been classified as a Variant of Uncertain Significance.

Ambry Genetics
Classification: Uncertain significance for Hereditary cancer-predisposing syndrome. Last evaluated: 2021-12-22. Review status: criteria provided, single submitter. Criteria: Ambry Variant Classification Scheme 2023. Collection method: clinical testing. Allele origin: germline.
Comment: The p.V126A variant (also known as c.377T>C), located in coding exon 3 of the PDGFRA gene, results from a T to C substitution at nucleotide position 377. The valine at codon 126 is replaced by alanine, an amino acid with similar properties. This amino acid position is conserved. In addition, this alteration is predicted to be tolerated by in silico analysis. Since supporting evidence is limited at this time, the clinical significance of this alteration remains unclear.

NM_006206.6(PDGFRA):c.377T>C (p.Val126Ala)

Gene: PDGFRA (platelet derived growth factor receptor alpha; plus strand). Cytogenetic location: 4q12.
Variant type: single nucleotide variant.
Coding change: c.377T>C on transcript NM_006206.6 (MANE Select); coding-DNA position 377, T replaced by C.
Protein change: p.Val126Ala; replaces valine 126 with alanine.
Molecular consequence: missense variant.
Genome position (GRCh38, 1-based): chr4:54,263,676, T>C. VCF-style: chr4-54263676-T-C. GRCh37 (hg19) VCF-style: chr4-55129843-T-C.
Other names: c.377T>C, p.Val126Ala (NM_001347827.2, NM_001347829.2); c.452T>C, p.Val151Ala (NM_001347828.2); c.416T>C, p.Val139Ala (NM_001347830.2); short protein forms V126A, V139A, V151A.
Identifiers: ClinVar variation 1734844 (VCV001734844.4), dbSNP rs2110250515, ClinGen allele CA356889614.